The following is an entry in ClinVar:

ClinVar aggregate classification (germline): Benign (1 of 4 stars; one submission).

Conditions:
D-2-hydroxyglutaric aciduria 1 (D2HGA1). Identifiers: Orphanet 79315, MedGen C3152055, MONDO:0024554, OMIM 600721.

Allele frequency attached by ClinVar (database versions not stated): gnomAD exomes 0.00062; 1000 Genomes Project 0.00899; 1000 Genomes Project 30x 0.00968; gnomAD 0.01110 and 0.01193; TOPMed 0.01246.
gnomAD v4.1: 1,702 of 195,104 alleles (0.87%); highest among the groups gnomAD compares: African/African-American, 3.8%; 38 homozygotes.

Submission:

Illumina Laboratory Services, Illumina
Classification: Benign for D-2-hydroxyglutaric aciduria 1. Last evaluated: 2018-01-12. Review status: criteria provided, single submitter. Criteria: ICSL Variant Classification Criteria 13 December 2019. Collection method: clinical testing. Allele origin: germline.
Comment: This variant was observed in the ICSL laboratory as part of a predisposition screen in an ostensibly healthy population. It had not been previously curated by ICSL or reported in the Human Gene Mutation Database (HGMD: prior to June 1st, 2018), and was therefore a candidate for classification through an automated scoring system. Utilizing variant allele frequency, disease prevalence and penetrance estimates, and inheritance mode, an automated score was calculated to assess if this variant is too frequent to cause the disease. Based on the score and internal cut-off values, a variant classified as benign is not then subjected to further curation. The score for this variant resulted in a classification of benign for this disease.

NM_152783.5(D2HGDH):c.*427G>A

Gene: D2HGDH (D-2-hydroxyglutarate dehydrogenase; plus strand). Cytogenetic location: 2q37.3.
Variant type: single nucleotide variant.
Coding change: c.*427G>A on transcript NM_152783.5 (MANE Select); 427 bases downstream of the stop codon, G replaced by A.
Molecular consequence: 3 prime UTR variant. On other transcripts: non-coding transcript variant (1).
Genome position (GRCh38, 1-based): chr2:241,768,396, G>A. VCF-style: chr2-241768396-G-A. GRCh37 (hg19) VCF-style: chr2-242707811-G-A.
Other names: c.*427G>A (NM_001287249.2, NM_001352824.2).
Identifiers: ClinVar variation 335337 (VCV000335337.5), dbSNP rs142873084, ClinGen allele CA10612937.